The following is an entry in ClinVar:

ClinVar aggregate classification (germline): Uncertain significance (1 of 4 stars; one submission).

Conditions:
Optic atrophy 3 (OPA3). Also called: OPTIC ATROPHY 3, AUTOSOMAL DOMINANT; Optic atrophy, cataract, and neurologic disorder; Optic atrophy 3 with cataract. Identifiers: Orphanet 67036, MedGen C1833809, MONDO:0008133, OMIM 165300.
3-Methylglutaconic aciduria type 3 (MGCA3). Also called: OPA3, AUTOSOMAL RECESSIVE; OPTIC ATROPHY 3, AUTOSOMAL RECESSIVE; Costeff Syndrome; OPA3-Related 3-Methylglutaconic Aciduria. Identifiers: Orphanet 67047, MedGen C0574084, MONDO:0009787, OMIM 258501.

gnomAD v4.1: 2 of 1,613,966 alleles (0.00012%); highest among the groups gnomAD compares: Non-Finnish European, 0.00017%; no homozygotes.

Submission:

Labcorp Genetics (formerly Invitae), Labcorp
Classification: Uncertain significance for 3-Methylglutaconic aciduria type 3; Optic atrophy 3. Last evaluated: 2025-09-09. Review status: criteria provided, single submitter. Criteria: Invitae Variant Classification Sherloc (09022015). Collection method: clinical testing. Allele origin: germline.
Comment: This sequence change replaces alanine, which is neutral and non-polar, with threonine, which is neutral and polar, at codon 5 of the OPA3 protein (p.Ala5Thr). This variant is not present in population databases (gnomAD no frequency). This variant has not been reported in the literature in individuals affected with OPA3-related conditions. An algorithm developed to predict the effect of missense changes on protein structure and function (PolyPhen-2) suggests that this variant is likely to be disruptive. In summary, the available evidence is currently insufficient to determine the role of this variant in disease. Therefore, it has been classified as a Variant of Uncertain Significance.

NM_025136.4(OPA3):c.13G>A (p.Ala5Thr)

Genes: OPA3 (outer mitochondrial membrane lipid metabolism regulator OPA3; minus strand), OPA3-RTN2 (OPA3-RTN2 readthrough; minus strand), LOC130064709 (ATAC-STARR-seq lymphoblastoid active region 14802; plus strand). Cytogenetic location: 19q13.32.
Variant type: single nucleotide variant.
Coding change: c.13G>A on transcript NM_025136.4 (MANE Select); coding-DNA position 13, G replaced by A.
Protein change: p.Ala5Thr; replaces alanine 5 with threonine.
Molecular consequence: missense variant.
Genome position (GRCh38, 1-based): chr19:45,584,752, C>T on the plus strand (G>A on the coding strand, the complement: OPA3 is on the minus strand). VCF-style: chr19-45584752-C-T. GRCh37 (hg19) VCF-style: chr19-46088010-C-T.
Other names: c.13G>A, p.Ala5Thr (NM_001017989.3); short protein forms A5T.
Identifiers: ClinVar variation 4791251 (VCV004791251.1).